The following is an entry in ClinVar:

NM_000545.8(HNF1A):c.824A>T (p.Glu275Val)

Gene: HNF1A (HNF1 homeobox A; plus strand). Cytogenetic location: 12q24.31.
Variant type: single nucleotide variant.
Coding change: c.824A>T on transcript NM_000545.8 (MANE Select); coding-DNA position 824, A replaced by T.
Protein change: p.Glu275Val; replaces glutamic acid 275 with valine.
Molecular consequence: missense variant.
Genome position (GRCh38, 1-based): chr12:120,994,274, A>T. VCF-style: chr12-120994274-A-T. GRCh37 (hg19) VCF-style: chr12-121432077-A-T.
Other names: NM_000545.8(HNF1A):c.824A>T; p.Glu275Val; c.824A>T, p.Glu275Val (NM_001306179.2); short protein forms E275V.
Identifiers: ClinVar variation 918065 (VCV000918065.4), dbSNP rs199890776, ClinGen allele CA386966414.
Genomic context (GRCh38, chr12:120,994,274, plus strand): 5'-GCTCCAACCTCGTCACGGAGGTGCGTGTCTACAACTGGTTTGCCAACCGGCGCAAAGAAG[A>T]AGCCTTCCGGCACAAGCTGGCCATGGACACGTACAGCGGGCCCCCCCCAGGGCCAGGCCC-3'
Protein context (NP_000536.6, residues 265-285): YNWFANRRKE[Glu275Val]AFRHKLAMDT

ClinVar aggregate classification (germline): Uncertain significance. Review status: reviewed by expert panel (3 of 4 stars). 4 submissions from 4 submitters: Uncertain significance (1). 3 of the submissions do not count toward it. Last evaluated 2026-06-11.

Conditions:
HNF1A-related disorders.
HNF1A-related disorder. Also called: HNF1A-related condition.
Monogenic diabetes. Identifiers: Orphanet 183625, MedGen C3888631, MONDO:0015967.
Diabetes mellitus. Also called: Diabetes mellitus (disease). Identifiers: MedGen C0011849, MONDO:0005015, HP:0000819.

Submissions (4):

ClinGen Monogenic Diabetes Variant Curation Expert Panel
Classification: Uncertain significance for Monogenic diabetes. Last evaluated: 2026-06-11. Review status: reviewed by expert panel. Criteria: ClinGen Diabetes ACMG Specifications HNF1A V3.1.0. Collection method: curation. Allele origin: germline. Inheritance: Autosomal dominant inheritance.
Comment: The c.824A>T variant in the HNF1 homeobox A gene, HNF1A, causes an amino acid change of glutamic acid to valine at codon 275 (p.(Glu275Val)) of NM_000545.8. This variant is predicted to be deleterious by computational evidence, with a REVEL score of 0.881, which is greater than the MDEP VCEP threshold of 0.70 (PP3). This variant is located within a conserved region of the DNA binding domain (codons 107-174 and 201-280) of HNF1A, which is defined as critical for the protein’s function by the ClinGen MDEP (PM1_Supporting). This variant is absent from gnomAD v4.1.0 (PM2_Supporting). This variant was identified in four unrelated individuals with non-autoimmune and non-absolute/near-absolute insulin-deficient diabetes (PS4_Moderate; PMID: 33538814, 34826540, 36257325, internal lab contributors). In summary, c.824A>T meets the criteria to be classified as a variant of uncertain significance for monogenic diabetes. ACMG/AMP criteria applied, as specified by the ClinGen MDEP (specification version 3.1.0, approved 10/10/2025): PS4_Moderate, PM1_Supporting, PM2_Supporting, PP3.

PreventionGenetics, part of Exact Sciences
Classification: Pathogenic for HNF1A-related condition. Last evaluated: 2026-05-21. Review status: criteria provided, single submitter. Criteria: ACMG Guidelines, 2015. Collection method: clinical testing. Allele origin: germline. Not counted in ClinVar's aggregate classification.
Comment: The HNF1A c.824A>T variant is predicted to result in the amino acid substitution p.Glu275Val. ​This variant has been reported in the heterozygous state in multiple individuals with maturity-onset diabetes of the young (MODY; Marchand et al. 2021. PubMed ID: 33538814; Zmysłowska et al. 2021. PubMed ID: 34826540; Table S3, Mirshahi et al. 2022. PubMed ID: 36257325; Supplemental Table 1, Fendler et al. 2016. PubMed ID: 27059371; Szopa et al. 2025. PubMed ID: 41409604). This variant has been reported to segregate with disease in an individual from a family with MODY (Marchand et al. 2021. PubMed ID: 33538814). In vitro experimental studies using patient-derived hiPSC-endothelial cells suggest this variant results in reduced glycocalyx layer, increased cellular stiffness, and increased actin stress fiber formation (Skoczek et al. 2026. PubMed ID: 41749365). This variant is located within the highly conserved DNA binding domain (codons 107-174 and 201-280) of the HNF-1α protein (Mendel and Crabtree 1991. PubMed ID: 1985954; Chi et al. 2002. PubMed ID: 12453420). This variant has not been reported in a large population database (gnomAD), indicating this variant is rare. This variant is interpreted as pathogenic.

Blueprint Genetics
Classification: Likely pathogenic for HNF1A-related disorders. Last evaluated: 2024-07-26. Review status: criteria provided, single submitter. Criteria: ACMG Guidelines, 2015. Collection method: clinical testing. Allele origin: germline. Affected: yes. Observed: 1 variant allele. Not counted in ClinVar's aggregate classification.

Constantin Polychronakos Laboratory, The Research Institute of the McGill University Health Centre
Classification: Pathogenic for Diabetes mellitus. Review status: no assertion criteria provided. Collection method: research. Allele origin: germline. Inheritance: Autosomal dominant inheritance. Affected: yes. Study: T1DGC. Not counted in ClinVar's aggregate classification.
Comment: PS1 PM2 PP3

Literature cited by the submitters: PubMed 33538814 (cited by ClinGen Monogenic Diabetes Variant Curation Expert Panel); PubMed 34826540 (cited by ClinGen Monogenic Diabetes Variant Curation Expert Panel); PubMed 36257325 (cited by ClinGen Monogenic Diabetes Variant Curation Expert Panel).